The following is an entry in ClinVar:

ClinVar aggregate classification (germline): Uncertain significance (1 of 4 stars; one submission).

gnomAD v4.1: 18 of 1,608,132 alleles (0.0011%); highest among the groups gnomAD compares: African/African-American, 0.0013%; no homozygotes.

Submission:

Mayo Clinic Laboratories, Mayo Clinic
Classification: Uncertain significance. Last evaluated: 2024-01-10. Review status: criteria provided, single submitter. Criteria: ACMG Guidelines, 2015. Collection method: clinical testing. Allele origin: germline. Observed: 2 variant alleles.
Comment: BP4, PM2_moderate

NM_002101.5(GYPC):c.176T>C (p.Ile59Thr)

Gene: GYPC (glycophorin C (Gerbich blood group); plus strand). Cytogenetic location: 2q14.3.
Variant type: single nucleotide variant.
Coding change: c.176T>C on transcript NM_002101.5 (MANE Select); coding-DNA position 176, T replaced by C.
Protein change: p.Ile59Thr; replaces isoleucine 59 with threonine.
Molecular consequence: missense variant.
Genome position (GRCh38, 1-based): chr2:126,693,933, T>C. VCF-style: chr2-126693933-T-C. GRCh37 (hg19) VCF-style: chr2-127451509-T-C.
Other names: p.Ile59Thr; c.113T>C, p.Ile38Thr (NM_001256584.2); c.119T>C, p.Ile40Thr (NM_016815.4); short protein forms I38T, I40T, I59T.
Identifiers: ClinVar variation 3380832 (VCV003380832.2).